The following is an entry in ClinVar:

ClinVar aggregate classification (germline): Uncertain significance. Review status: criteria provided, multiple submitters, no conflicts (2 of 4 stars). 4 submissions from 4 submitters: Uncertain significance (4). Last evaluated 2026-01-12.

Conditions:
VPS13B-related disorder. Also called: VPS13B-related condition.
Cohen syndrome (COH1). Also called: Cutis verticis gyrata, retinitis pigmentosa, and sensorineural deafness; PEPPER SYNDROME. Identifiers: Orphanet 193, MedGen C0265223, MONDO:0008999, OMIM 216550.

Allele frequency attached by ClinVar (database versions not stated): gnomAD exomes 0.00003 and 0.00005; ExAC 0.00004; TOPMed 0.00004; gnomAD 0.00010.
gnomAD v4.1: 46 of 1,613,732 alleles (0.0029%); highest among the groups gnomAD compares: Middle Eastern, 0.016%; no homozygotes.

Submissions (4):

PreventionGenetics, part of Exact Sciences
Classification: Uncertain significance for VPS13B-related condition. Last evaluated: 2026-01-12. Review status: criteria provided, single submitter. Criteria: ACMG Guidelines, 2015. Collection method: clinical testing. Allele origin: germline.
Comment: The VPS13B c.9100G>A variant is predicted to result in the amino acid substitution p.Gly3034Ser. To our knowledge, this variant has not been reported in the literature. This variant is reported in 0.010% of alleles in individuals of European (Non-Finnish) descent in gnomAD. At this time, the clinical significance of this variant is uncertain due to the absence of conclusive functional and genetic evidence.

Labcorp Genetics (formerly Invitae), Labcorp
Classification: Uncertain significance for Cohen syndrome. Last evaluated: 2022-09-13. Review status: criteria provided, single submitter. Criteria: Invitae Variant Classification Sherloc (09022015). Collection method: clinical testing. Allele origin: germline.
Comment: This sequence change replaces glycine, which is neutral and non-polar, with serine, which is neutral and polar, at codon 3059 of the VPS13B protein (p.Gly3059Ser). This variant is present in population databases (rs778256097, gnomAD 0.01%). This variant has not been reported in the literature in individuals affected with VPS13B-related conditions. ClinVar contains an entry for this variant (Variation ID: 361078). Advanced modeling of protein sequence and biophysical properties (such as structural, functional, and spatial information, amino acid conservation, physicochemical variation, residue mobility, and thermodynamic stability) performed at Invitae indicates that this missense variant is not expected to disrupt VPS13B protein function. In summary, the available evidence is currently insufficient to determine the role of this variant in disease. Therefore, it has been classified as a Variant of Uncertain Significance.

CeGaT Center for Human Genetics Tuebingen
Classification: Uncertain significance. Last evaluated: 2021-07-01. Review status: criteria provided, single submitter. Criteria: CeGaT Center For Human Genetics Tuebingen Variant Classification Criteria Version 2. Collection method: clinical testing. Allele origin: germline. Affected: yes. Observed: 1 variant allele.

Illumina Laboratory Services, Illumina
Classification: Uncertain significance for Cohen syndrome. Last evaluated: 2018-01-12. Review status: criteria provided, single submitter. Criteria: ICSL Variant Classification Criteria 13 December 2019. Collection method: clinical testing. Allele origin: germline.

NM_152564.5(VPS13B):c.9100G>A (p.Gly3034Ser)

Gene: VPS13B (vacuolar protein sorting 13 homolog B; plus strand). Cytogenetic location: 8q22.2.
Variant type: single nucleotide variant.
Coding change: c.9100G>A on transcript NM_152564.5 (MANE Select); coding-DNA position 9100, G replaced by A.
Protein change: p.Gly3034Ser; replaces glycine 3034 with serine.
Molecular consequence: missense variant.
Genome position (GRCh38, 1-based): chr8:99,821,399, G>A. VCF-style: chr8-99821399-G-A. GRCh37 (hg19) VCF-style: chr8-100833627-G-A.
Other names: c.9175G>A, p.Gly3059Ser (NM_017890.5); c.9100G>A (NM_152564.4); short protein forms G3034S, G3059S.
Identifiers: ClinVar variation 361078 (VCV000361078.44), dbSNP rs778256097, ClinGen allele CA4824619.